The following is an entry in ClinVar:

NM_001399.5(EDA):c.575G>A (p.Gly192Glu)

Gene: EDA (ectodysplasin A; plus strand). Cytogenetic location: Xq13.1.
Variant type: single nucleotide variant.
Coding change: c.575G>A on transcript NM_001399.5 (MANE Select); coding-DNA position 575, G replaced by A.
Protein change: p.Gly192Glu; replaces glycine 192 with glutamic acid.
Molecular consequence: missense variant.
Genome position (GRCh38, 1-based): chrX:70,027,905, G>A. VCF-style: chrX-70027905-G-A. GRCh37 (hg19) VCF-style: chrX-69247755-G-A.
Other names: c.575G>A, p.Gly192Glu (NM_001005609.2, NM_001005612.3, NM_001440761.1 and 1 more transcripts); short protein forms G192E.
Identifiers: ClinVar variation 4529712 (VCV004529712.1).

ClinVar aggregate classification (germline): Likely pathogenic (1 of 4 stars; one submission).

Submission:

GeneDx
Classification: Likely pathogenic. Last evaluated: 2025-05-16. Review status: criteria provided, single submitter. Criteria: GeneDx Variant Classification Process June 2021. Collection method: clinical testing. Allele origin: germline. Affected: yes.
Comment: In silico analysis supports that this missense variant has a deleterious effect on protein structure/function; Missense variants in this gene are a common cause of disease and they are underrepresented in the general population; Not observed at significant frequency in large population cohorts (gnomAD); This variant is associated with the following publications: (PMID: 37379583)